The following is an entry in ClinVar:

ClinVar aggregate classification (germline): Benign/Likely benign. Review status: criteria provided, multiple submitters, no conflicts (2 of 4 stars). 5 submissions from 5 submitters: Benign (1); Likely benign (3). 1 of the submissions does not count toward it. Last evaluated 2025-12-01.

Conditions:
Cornelia de Lange syndrome 1 (CDLS1). Also called: NIPBL-Related Cornelia de Lange Syndrome; TYPUS DEGENERATIVUS AMSTELODAMENSIS; Brachmann de Lange syndrome. Identifiers: Orphanet 199, MedGen C4551851, MONDO:0007387, OMIM 122470.
NIPBL-related disorder. Also called: NIPBL-related condition.
Inborn genetic diseases. Identifiers: MedGen C0950123, MeSH D030342.

Allele frequency attached by ClinVar (database versions not stated): TOPMed 0.00007; ESP Exome Variant Server 0.00008; 1000 Genomes Project 30x 0.00016; 1000 Genomes Project 0.00020; gnomAD exomes 0.00036 and 0.00082; ExAC 0.00052; gnomAD 0.00071 and 0.00076.
gnomAD v4.1: 623 of 1,613,758 alleles (0.039%); highest among the groups gnomAD compares: Non-Finnish European, 0.011%; 4 homozygotes.

Submissions (5):

CeGaT Center for Human Genetics Tuebingen
Classification: Likely benign. Last evaluated: 2025-12-01. Review status: criteria provided, single submitter. Criteria: CeGaT Center For Human Genetics Tuebingen Variant Classification Criteria Version 2. Collection method: clinical testing. Allele origin: germline. Affected: yes. Observed: 2 variant alleles.
Comment: NIPBL: BP4, BP7

Labcorp Genetics (formerly Invitae), Labcorp
Classification: Benign for Cornelia de Lange syndrome 1. Last evaluated: 2024-12-03. Review status: criteria provided, single submitter. Criteria: Invitae Variant Classification Sherloc (09022015). Collection method: clinical testing. Allele origin: germline.

Blueprint Genetics
Classification: Likely benign. Last evaluated: 2024-11-21. Review status: criteria provided, single submitter. Criteria: ACMG Guidelines, 2015. Collection method: clinical testing. Allele origin: germline.

Ambry Genetics
Classification: Likely benign for Inborn genetic diseases. Last evaluated: 2017-04-04. Review status: criteria provided, single submitter. Criteria: Ambry Variant Classification Scheme 2023. Collection method: clinical testing. Allele origin: germline.

PreventionGenetics, part of Exact Sciences
Classification: Benign for NIPBL-related condition. Last evaluated: 2019-05-01. Review status: no assertion criteria provided. Collection method: clinical testing. Allele origin: germline. Not counted in ClinVar's aggregate classification.
Comment: This variant is classified as benign based on ACMG/AMP sequence variant interpretation guidelines (Richards et al. 2015 PMID: 25741868, with internal and published modifications).

NM_133433.4(NIPBL):c.2349A>G (p.Lys783=)

Gene: NIPBL (NIPBL cohesin loading factor; plus strand). Cytogenetic location: 5p13.2.
Variant type: single nucleotide variant.
Coding change: c.2349A>G on transcript NM_133433.4 (MANE Select); coding-DNA position 2349, A replaced by G.
Protein change: p.Lys783=; no amino-acid change (lysine 783 retained).
Molecular consequence: synonymous variant.
Genome position (GRCh38, 1-based): chr5:36,985,529, A>G. VCF-style: chr5-36985529-A-G. GRCh37 (hg19) VCF-style: chr5-36985631-A-G.
Other names: c.2349A>G, p.Lys783= (NM_015384.5).
Identifiers: ClinVar variation 588884 (VCV000588884.43), dbSNP rs141851878, ClinGen allele CA3236156.
Genomic context (GRCh38, chr5:36,985,529, plus strand): 5'-CAATAGGAGGGATTCTGGAAAGCCATCTACAGAGAAAAAACCTGAAGTGTCTAAACATAA[A>G]CAAGATACTAAATCTGACTCACCTCGGTTAAAATCAGAACGAGCTGAAGCCTTAAAGCAG-3'
Protein context (NP_597677.2, residues 773-793): TEKKPEVSKH[Lys783=]QDTKSDSPRL